The following is an entry in ClinVar:

ClinVar aggregate classification (germline): Uncertain significance (1 of 4 stars; one submission).

Submission:

GeneDx
Classification: Uncertain significance. Last evaluated: 2023-05-15. Review status: criteria provided, single submitter. Criteria: GeneDx Variant Classification Process June 2021. Collection method: clinical testing. Allele origin: germline. Affected: yes.
Comment: Not observed at significant frequency in large population cohorts (gnomAD); In silico analysis supports that this missense variant has a deleterious effect on protein structure/function; Has not been previously published as pathogenic or benign to our knowledge

NM_002397.5(MEF2C):c.1391G>C (p.Arg464Pro)

Genes: MEF2C (myocyte enhancer factor 2C; minus strand), MEF2C-AS2 (MEF2C antisense RNA 2; plus strand). Cytogenetic location: 5q14.3.
Variant type: single nucleotide variant.
Coding change: c.1391G>C on transcript NM_002397.5 (MANE Select); coding-DNA position 1391, G replaced by C.
Protein change: p.Arg464Pro; replaces arginine 464 with proline.
Molecular consequence: missense variant. On other transcripts: non-coding transcript variant (1), 3 prime UTR variant (9).
Genome position (GRCh38, 1-based): chr5:88,722,635, C>G on the plus strand (G>C on the coding strand, the complement: MEF2C is on the minus strand). VCF-style: chr5-88722635-C-G. GRCh37 (hg19) VCF-style: chr5-88018452-C-G.
Other names: c.1361G>C, p.Arg454Pro (NM_001131005.2); c.1421G>C, p.Arg474Pro (NM_001193347.1); c.1223G>C, p.Arg408Pro (NM_001193348.1); c.1151G>C, p.Arg384Pro (NM_001193349.3, NM_001364332.2); c.1391G>C, p.Arg464Pro (NM_001193350.2, NM_001364329.2, NM_001364330.2 and 1 more transcripts); c.1367G>C, p.Arg456Pro (NM_001308002.3, NM_001364333.2); c.1295G>C, p.Arg432Pro (NM_001363581.2, NM_001364334.2, NM_001364335.2 and 2 more transcripts); c.1325G>C, p.Arg442Pro (NM_001364338.2); and 7 more; short protein forms R282P, R306P, R338P, R384P, R408P, R416P, R422P, R424P.
Identifiers: ClinVar variation 3343440 (VCV003343440.1).